The following is an entry in ClinVar:

ClinVar aggregate classification (germline): Uncertain significance. Review status: criteria provided, multiple submitters, no conflicts (2 of 4 stars). 3 submissions from 3 submitters: Uncertain significance (3). Last evaluated 2025-12-29.

Conditions:
Holoprosencephaly 9 (HPE9). Also called: PITUITARY ANOMALIES WITH HOLOPROSENCEPHALY-LIKE FEATURES; HOLOPROSENCEPHALY WITH MICROPHTHALMIA AND FIRST BRANCHIAL ARCH ANOMALIES. Identifiers: Orphanet 2162, MedGen C1835819, MONDO:0012563, OMIM 610829.
Postaxial polydactyly-anterior pituitary anomalies-facial dysmorphism syndrome. Also called: Culler-Jones syndrome. Identifiers: Orphanet 420584, MedGen C4014479, MONDO:0014369, OMIM 615849.

Allele frequency attached by ClinVar (database versions not stated): gnomAD exomes 0.00005 and 0.00001; TOPMed 0.00004; ExAC 0.00003.
gnomAD v4.1: 19 of 1,613,022 alleles (0.0012%); highest among the groups gnomAD compares: Admixed American, 0.03%; no homozygotes.

Submissions (3):

Labcorp Genetics (formerly Invitae), Labcorp
Classification: Uncertain significance for Postaxial polydactyly-anterior pituitary anomalies-facial dysmorphism syndrome; Holoprosencephaly 9. Last evaluated: 2025-12-29. Review status: criteria provided, single submitter. Criteria: Invitae Variant Classification Sherloc (09022015). Collection method: clinical testing. Allele origin: germline.
Comment: This sequence change replaces asparagine, which is neutral and polar, with isoleucine, which is neutral and non-polar, at codon 1141 of the GLI2 protein (p.Asn1141Ile). This variant is present in population databases (rs761857488, gnomAD 0.04%). This variant has not been reported in the literature in individuals affected with GLI2-related conditions. ClinVar contains an entry for this variant (Variation ID: 894254). Invitae Evidence Modeling of protein sequence and biophysical properties (such as structural, functional, and spatial information, amino acid conservation, physicochemical variation, residue mobility, and thermodynamic stability) has been performed for this missense variant. However, the output from this modeling did not meet the statistical confidence thresholds required to predict the impact of this variant on GLI2 protein function. In summary, the available evidence is currently insufficient to determine the role of this variant in disease. Therefore, it has been classified as a Variant of Uncertain Significance.

Women's Health and Genetics/Laboratory Corporation of America, LabCorp
Classification: Uncertain significance. Last evaluated: 2025-01-07. Review status: criteria provided, single submitter. Criteria: LabCorp Variant Classification Summary - May 2015. Collection method: clinical testing. Allele origin: germline.
Comment: Variant summary: GLI2 c.3422A>T (p.Asn1141Ile) results in a non-conservative amino acid change in the encoded protein sequence. Four of five in-silico tools predict a damaging effect of the variant on protein function. The variant allele was found at a frequency of 5.3e-05 in 247574 control chromosomes (gnomAD). c.3422A>T has been reported in the literature without strong evidence for or against pathogenicity (example: Bodian_2016) . This report, does not provide unequivocal conclusions about association of the variant with GLI2-Related Disorders. To our knowledge, no experimental evidence demonstrating an impact on protein function has been reported. The following publication has been ascertained in the context of this evaluation (PMID: 26334177). ClinVar contains an entry for this variant (Variation ID: 894254). Based on the evidence outlined above, the variant was classified as uncertain significance.

Illumina Laboratory Services, Illumina
Classification: Uncertain significance for Holoprosencephaly 9. Last evaluated: 2018-01-13. Review status: criteria provided, single submitter. Criteria: ICSL Variant Classification Criteria 13 December 2019. Collection method: clinical testing. Allele origin: germline.

Literature cited by the submitters: PubMed 26334177 (cited by Women's Health and Genetics/Laboratory Corporation of America, LabCorp).

NM_001374353.1(GLI2):c.3371A>T (p.Asn1124Ile)

Gene: GLI2 (GLI family zinc finger 2; plus strand). Cytogenetic location: 2q14.2.
Variant type: single nucleotide variant.
Coding change: c.3371A>T on transcript NM_001374353.1 (MANE Select); coding-DNA position 3371, A replaced by T.
Protein change: p.Asn1124Ile; replaces asparagine 1124 with isoleucine.
Molecular consequence: missense variant.
Genome position (GRCh38, 1-based): chr2:120,989,336, A>T. VCF-style: chr2-120989336-A-T. GRCh37 (hg19) VCF-style: chr2-121746912-A-T.
Other names: c.3422A>T, p.Asn1141Ile (NM_001371271.1, NM_005270.5); c.2996A>T, p.Asn999Ile (NM_001374354.1); short protein forms N1124I, N999I, N1141I.
Identifiers: ClinVar variation 894254 (VCV000894254.9), dbSNP rs761857488, ClinGen allele CA1852385.
Genomic context (GRCh38, chr2:120,989,336, plus strand): 5'-CCCCTATGCTGGGAGGATGCCAGTTAGGCTTTGGGGCGCCCTCCAGCCTGAACAAAAATA[A>T]CATGCCTGTGCAGTGGAATGAGGTGAGCTCCGGCACCGTAGACGCCCTGGCCAGCCAGGT-3'
Protein context (NP_001361282.1, residues 1114-1134): FGAPSSLNKN[Asn1124Ile]MPVQWNEVSS